The following is an entry in ClinVar:

ClinVar aggregate classification (germline): Uncertain significance (1 of 4 stars; one submission).

gnomAD v4.1: 55 of 1,523,812 alleles (0.0036%); highest among the groups gnomAD compares: Non-Finnish European, 0.0046%; no homozygotes.

Submission:

Labcorp Genetics (formerly Invitae), Labcorp
Classification: Uncertain significance. Last evaluated: 2025-08-29. Review status: criteria provided, single submitter. Criteria: Invitae Variant Classification Sherloc (09022015). Collection method: clinical testing. Allele origin: germline.
Comment: This sequence change replaces threonine, which is neutral and polar, with alanine, which is neutral and non-polar, at codon 196 of the FBXW7 protein (p.Thr196Ala). The frequency data for this variant in the population databases is considered unreliable, as metrics indicate poor data quality at this position in the gnomAD database. This variant has not been reported in the literature in individuals affected with FBXW7-related conditions. An algorithm developed to predict the effect of missense changes on protein structure and function (PolyPhen-2) suggests that this variant is likely to be tolerated. In summary, the available evidence is currently insufficient to determine the role of this variant in disease. Therefore, it has been classified as a Variant of Uncertain Significance.

NM_001349798.2(FBXW7):c.586A>G (p.Thr196Ala)

Gene: FBXW7 (F-box and WD repeat domain containing 7; minus strand). Cytogenetic location: 4q31.3.
Variant type: single nucleotide variant.
Coding change: c.586A>G on transcript NM_001349798.2 (MANE Select); coding-DNA position 586, A replaced by G.
Protein change: p.Thr196Ala; replaces threonine 196 with alanine.
Molecular consequence: missense variant.
Genome position (GRCh38, 1-based): chr4:152,347,070, T>C on the plus strand (A>G on the coding strand, the complement: FBXW7 is on the minus strand). VCF-style: chr4-152347070-T-C. GRCh37 (hg19) VCF-style: chr4-153268222-T-C.
Other names: c.232A>G, p.Thr78Ala (NM_001013415.2); c.346A>G, p.Thr116Ala (NM_018315.5); c.586A>G, p.Thr196Ala (NM_033632.3); short protein forms T116A, T196A, T78A.
Identifiers: ClinVar variation 4738913 (VCV004738913.1).